The following is an entry in ClinVar:

NM_001918.5(DBT):c.1210-4dup

Gene: DBT (dihydrolipoamide branched chain transacylase E2; minus strand). Cytogenetic location: 1p21.2.
Variant type: Duplication.
Coding change: c.1210-4dup on transcript NM_001918.5 (MANE Select); 4 bases into the intron before coding-DNA position 1210, one base duplicated (A; older notation c.1210-4dupA).
Molecular consequence: intron variant.
Genome position (GRCh38, 1-based): chr1:100,206,305, T duplicated on the plus strand (A on the coding strand, the reverse complement: DBT is on the minus strand); the first of 6 consecutive T bases (chr1:100,206,305-100,206,310); duplicating any one gives the same sequence. VCF-style (leftmost placement, unchanged base first): chr1-100206304-A-AT. GRCh37 (hg19) VCF-style: chr1-100671860-A-AT.
Other names: c.1210-4dupA (NM_001918.3).
Identifiers: ClinVar variation 457145 (VCV000457145.6), dbSNP rs201117345, ClinGen allele CA969534.
Genomic context (GRCh38, chr1:100,206,304, plus strand): 5'-GGGCCCCAATGGCTACTTCAGGTGGCATTATCACTGGTTTGGCAAAGGTACCACCAATCT[A>AT]TTTTTTAAAAAAAAAAAAAGGAGAGTATTAAAAGTTAAGATTTTTCAGGGAACAAATGCC-3'

ClinVar aggregate classification (germline): Benign/Likely benign. Review status: criteria provided, multiple submitters, no conflicts (2 of 4 stars). 2 submissions from 2 submitters: Benign (1); Likely benign (1). Last evaluated 2026-01-20.

Conditions:
DBT-related disorder. Also called: DBT-related condition.
Maple syrup urine disease (MSUD). Identifiers: Orphanet 511, MedGen C0024776, MeSH D008375, MONDO:0009563. Disease mechanism: loss of function.

Submissions (2):

Labcorp Genetics (formerly Invitae), Labcorp
Classification: Benign for Maple syrup urine disease. Last evaluated: 2026-01-20. Review status: criteria provided, single submitter. Criteria: Invitae Variant Classification Sherloc (09022015). Collection method: clinical testing. Allele origin: germline.

PreventionGenetics, part of Exact Sciences
Classification: Likely benign for DBT-related condition. Last evaluated: 2025-06-03. Review status: criteria provided, single submitter. Criteria: ACMG Guidelines, 2015. Collection method: clinical testing. Allele origin: germline.
Comment: This variant is classified as likely benign based on ACMG/AMP sequence variant interpretation guidelines (Richards et al. 2015 PMID: 25741868, with internal and published modifications).